The following is an entry in ClinVar:

ClinVar aggregate classification (germline): Conflicting classifications of pathogenicity. Review status: criteria provided, conflicting classifications (1 of 4 stars). 3 submissions from 3 submitters: Uncertain significance (2); Likely benign (1). Last evaluated 2025-12-01.

Conditions:
Cardiovascular phenotype. Identifiers: MedGen CN230736.
Capillary malformation-arteriovenous malformation syndrome. Also called: Capillary malformation-arteriovenous malformation. Identifiers: Orphanet 137667, MedGen C1842180, MONDO:0012016.

Allele frequency attached by ClinVar (database versions not stated): ESP Exome Variant Server 0.00008; gnomAD 0.00004; gnomAD exomes 0.00005 and 0.00003; TOPMed 0.00005.
gnomAD v4.1: 77 of 1,613,656 alleles (0.0048%); highest among the groups gnomAD compares: Admixed American, 0.0083%; no homozygotes.

Submissions (3):

Labcorp Genetics (formerly Invitae), Labcorp
Classification: Uncertain significance for Capillary malformation-arteriovenous malformation syndrome. Last evaluated: 2025-12-01. Review status: criteria provided, single submitter. Criteria: Invitae Variant Classification Sherloc (09022015). Collection method: clinical testing. Allele origin: germline.
Comment: This sequence change replaces arginine, which is basic and polar, with cysteine, which is neutral and slightly polar, at codon 674 of the RASA1 protein (p.Arg674Cys). This variant is present in population databases (rs370631681, gnomAD 0.01%). This variant has not been reported in the literature in individuals affected with RASA1-related conditions. ClinVar contains an entry for this variant (Variation ID: 575599). An algorithm developed to predict the effect of missense changes on protein structure and function (PolyPhen-2) suggests that this variant is likely to be tolerated. In summary, the available evidence is currently insufficient to determine the role of this variant in disease. Therefore, it has been classified as a Variant of Uncertain Significance.

Ambry Genetics
Classification: Likely benign for Cardiovascular phenotype. Last evaluated: 2021-09-17. Review status: criteria provided, single submitter. Criteria: Ambry Variant Classification Scheme 2023. Collection method: clinical testing. Allele origin: germline.

GeneDx
Classification: Uncertain significance. Last evaluated: 2021-04-06. Review status: criteria provided, single submitter. Criteria: GeneDx Variant Classification Process June 2021. Collection method: clinical testing. Allele origin: germline. Affected: yes.
Comment: In silico analysis supports that this missense variant does not alter protein structure/function; Has not been previously published as pathogenic or benign to our knowledge

NM_002890.3(RASA1):c.2020C>T (p.Arg674Cys)

Genes: CCNH (cyclin H; minus strand), RASA1 (RAS p21 protein activator 1; plus strand). Cytogenetic location: 5q14.3.
Variant type: single nucleotide variant.
Coding change: c.2020C>T on transcript NM_002890.3 (MANE Select); coding-DNA position 2020, C replaced by T.
Protein change: p.Arg674Cys; replaces arginine 674 with cysteine.
Molecular consequence: missense variant. On other transcripts: intron variant (1).
Genome position (GRCh38, 1-based): chr5:87,376,401, C>T. VCF-style: chr5-87376401-C-T. GRCh37 (hg19) VCF-style: chr5-86672218-C-T.
Other names: c.1489C>T, p.Arg497Cys (NM_022650.3); c.933+18643G>A (NM_001364075.2); short protein forms R674C, R497C.
Identifiers: ClinVar variation 575599 (VCV000575599.13), dbSNP rs370631681, ClinGen allele CA121812622.
Genomic context (GRCh38, chr5:87,376,401, plus strand): 5'-CTAATTATCGTGTTCTCTTTTTAAACAATAATTGCTTGTTTTTCTTCCCAAGTATTTATG[C>T]GCTGCCAGTTGAGCCGATTACAGAAAGGGCATGCCACAGATGAATGGTTTCTGCTCAGCT-3'
Protein context (NP_002881.1, residues 664-684): KSKDPDILFM[Arg674Cys]CQLSRLQKGH